The following is an entry in ClinVar:

NM_001048174.2(MUTYH):c.1011G>C (p.Lys337Asn)

Gene: MUTYH (mutY DNA glycosylase; minus strand). Cytogenetic location: 1p34.1.
Variant type: single nucleotide variant.
Coding change: c.1011G>C on transcript NM_001048174.2 (MANE Select); coding-DNA position 1011, G replaced by C.
Protein change: p.Lys337Asn; replaces lysine 337 with asparagine.
Molecular consequence: missense variant. On other transcripts: non-coding transcript variant (2).
Genome position (GRCh38, 1-based): chr1:45,331,752, C>G on the plus strand (G>C on the coding strand, the complement: MUTYH is on the minus strand). VCF-style: chr1-45331752-C-G. GRCh37 (hg19) VCF-style: chr1-45797424-C-G.
Other names: c.1011G>C, p.Lys337Asn (NM_001048171.2, NM_001048173.2, NM_001293195.2); c.1014G>C, p.Lys338Asn (NM_001048172.2); c.1095G>C, p.Lys365Asn (NM_001128425.2); c.1056G>C, p.Lys352Asn (NM_001293190.2); c.1044G>C, p.Lys348Asn (NM_001293191.2); c.735G>C, p.Lys245Asn (NM_001293192.2, NM_001293196.2); c.666G>C, p.Lys222Asn (NM_001350650.2, NM_001350651.2); c.1086G>C, p.Lys362Asn (NM_012222.3); short protein forms K337N, K348N, K245N, K365N, K222N, K338N, K352N, K362N.
Identifiers: ClinVar variation 1423415 (VCV001423415.11), dbSNP rs1644913465, ClinGen allele CA340133587.

ClinVar aggregate classification (germline): Conflicting classifications of pathogenicity. Review status: criteria provided, conflicting classifications (1 of 4 stars). 2 submissions from 2 submitters: Uncertain significance (1); Benign (1). Last evaluated 2025-09-09.

Conditions:
Hereditary cancer-predisposing syndrome. Also called: Hereditary Cancer Syndrome; Neoplastic Syndromes, Hereditary; Hereditary neoplastic syndrome; Tumor predisposition. Identifiers: Orphanet 140162, MedGen C0027672, MeSH D009386, MONDO:0015356.
Familial adenomatous polyposis 2. Also called: COLORECTAL ADENOMATOUS POLYPOSIS, AUTOSOMAL RECESSIVE; ADENOMAS, MULTIPLE COLORECTAL, AUTOSOMAL RECESSIVE; MUTYH-associated polyposis; MUTYH Polyposis; Adenomas, multiple colorectal; MUTYH-related attenuated familial adenomatous polyposis. Identifiers: Orphanet 220460, Orphanet 247798, MedGen C3272841, MONDO:0012041, OMIM 608456.

Submissions (2):

Ambry Genetics
Classification: Benign for Hereditary cancer-predisposing syndrome. Last evaluated: 2025-09-09. Review status: criteria provided, single submitter. Criteria: Ambry Variant Classification Scheme 2023. Collection method: clinical testing. Allele origin: germline.

Labcorp Genetics (formerly Invitae), Labcorp
Classification: Uncertain significance for Familial adenomatous polyposis 2. Last evaluated: 2025-05-05. Review status: criteria provided, single submitter. Criteria: Invitae Variant Classification Sherloc (09022015). Collection method: clinical testing. Allele origin: germline.
Comment: This sequence change replaces lysine, which is basic and polar, with asparagine, which is neutral and polar, at codon 365 of the MUTYH protein (p.Lys365Asn). This variant is not present in population databases (gnomAD no frequency). This variant has not been reported in the literature in individuals affected with MUTYH-related conditions. ClinVar contains an entry for this variant (Variation ID: 1423415). An algorithm developed to predict the effect of missense changes on protein structure and function (PolyPhen-2) suggests that this variant is likely to be disruptive. In summary, the available evidence is currently insufficient to determine the role of this variant in disease. Therefore, it has been classified as a Variant of Uncertain Significance.